The following is an entry in ClinVar:

NM_002234.4(KCNA5):c.184_216del (p.Ser62_Asp72del)

Gene: KCNA5 (potassium voltage-gated channel subfamily A member 5; plus strand). Cytogenetic location: 12p13.32.
Variant type: Deletion.
Coding change: c.184_216del on transcript NM_002234.4 (MANE Select); coding-DNA positions 184 to 216, 33 bases deleted.
Protein change: p.Ser62_Asp72del.
Genome position (GRCh38, 1-based): chr12:5,044,331-5,044,363, 33 bases deleted; deleting any 33 consecutive bases within chr12:5,044,326-5,044,363 gives the same sequence; the c. name uses the placement nearest the transcript's 3' end. GRCh37 (hg19): chr12:5,153,497-5,153,529.
Identifiers: ClinVar variation 4803190 (VCV004803190.1).
Genomic context (GRCh38, chr12:5,044,325, plus strand): 5'-GCTGGGCTCAGCGATGGGCCCAAGGAGCCGGCGCCAAAGGGGCGCGGCGCGCAGAGAGAC[GCGGACTCGGGAGTGCGGCCCTTGCCTCCGCTGC>G]CGGACCCGGGAGTGCGGCCCTTGCCTCCGCTGCCAGAGGAGCTGCCACGGCCTCGACGGC-3'

ClinVar aggregate classification (germline): Uncertain significance (1 of 4 stars; one submission).

Conditions:
Atrial fibrillation, familial, 7 (ATFB7). Identifiers: MedGen C2677106, MONDO:0012828, OMIM 612240.

Submission:

Labcorp Genetics (formerly Invitae), Labcorp
Classification: Uncertain significance for Atrial fibrillation, familial, 7. Last evaluated: 2025-06-14. Review status: criteria provided, single submitter. Criteria: Invitae Variant Classification Sherloc (09022015). Collection method: clinical testing. Allele origin: germline.
Comment: This variant, c.184_216del, results in the deletion of 11 amino acid(s) of the KCNA5 protein (p.Ser62_Asp72del), but otherwise preserves the integrity of the reading frame. This variant is present in population databases (rs71581015, gnomAD 0.01%). This variant has not been reported in the literature in individuals affected with KCNA5-related conditions. Experimental studies and prediction algorithms are not available or were not evaluated, and the functional significance of this variant is currently unknown. In summary, the available evidence is currently insufficient to determine the role of this variant in disease. Therefore, it has been classified as a Variant of Uncertain Significance.